The following is an entry in ClinVar:

NM_000535.7(PMS2):c.942T>G (p.Asn314Lys)

Gene: PMS2 (PMS1 homolog 2, mismatch repair system component; minus strand). Cytogenetic location: 7p22.1.
Variant type: single nucleotide variant.
Coding change: c.942T>G on transcript NM_000535.7 (MANE Select); coding-DNA position 942, T replaced by G.
Protein change: p.Asn314Lys; replaces asparagine 314 with lysine.
Molecular consequence: missense variant. On other transcripts: non-coding transcript variant (1), intron variant (1).
Genome position (GRCh38, 1-based): chr7:5,992,019, A>C on the plus strand (T>G on the coding strand, the complement: PMS2 is on the minus strand). VCF-style: chr7-5992019-A-C. GRCh37 (hg19) VCF-style: chr7-6031650-A-C.
Other names: c.1128T>G, p.Asn376Lys (NM_001406866.1); c.966T>G, p.Asn322Lys (NM_001406868.1); c.537T>G, p.Asn179Lys (NM_001406890.1, NM_001406891.1, NM_001406892.1 and 19 more transcripts); c.834T>G, p.Asn278Lys (NM_001406869.1); c.942T>G, p.Asn314Lys (NM_001406870.1, NM_001406871.1, NM_001406872.1 and 2 more transcripts); c.744T>G, p.Asn248Lys (NM_001406873.1); c.774T>G, p.Asn258Lys (NM_001406874.1, NM_001406884.1); c.633T>G, p.Asn211Lys (NM_001406875.1, NM_001322015.2, NM_001406877.1 and 6 more transcripts); and 8 more; short protein forms N179K, N208K, N211K, N3K, N123K, N258K, N314K, N57K.
Identifiers: ClinVar variation 4842990 (VCV004842990.1).
Genomic context (GRCh38, chr7:5,992,019, plus strand): 5'-CCAATGGAACTTACCTGAATCAACAGAAATGTTAAGAACAACAAATGGATACTGGTGTCG[A>C]TTATACATGTGGTAGACCTCATTCACGAGTCTGCAGACCTGCACAAAATACAAGGAGTAG-3'
Protein context (NP_000526.2, residues 304-324): RLVNEVYHMY[Asn314Lys]RHQYPFVVLN

ClinVar aggregate classification (germline): Uncertain significance (1 of 4 stars; one submission).

Conditions:
Hereditary cancer-predisposing syndrome. Also called: Neoplastic Syndromes, Hereditary; Tumor predisposition; Hereditary Cancer Syndrome; Hereditary neoplastic syndrome. Identifiers: Orphanet 140162, MedGen C0027672, MeSH D009386, MONDO:0015356.

gnomAD v4.1: 2 of 1,603,508 alleles (0.00012%); highest among the groups gnomAD compares: Admixed American, 0.0033%; no homozygotes.

Submission:

Ambry Genetics
Classification: Uncertain significance for Hereditary cancer-predisposing syndrome. Last evaluated: 2025-12-26. Review status: criteria provided, single submitter. Criteria: Ambry Variant Classification Scheme 2023. Collection method: clinical testing. Allele origin: germline.
Comment: The p.N314K variant (also known as c.942T>G), located in coding exon 9 of the PMS2 gene, results from a T to G substitution at nucleotide position 942. The asparagine at codon 314 is replaced by lysine, an amino acid with similar properties. This amino acid position is conserved. In addition, the in silico prediction for this alteration is inconclusive. Based on the available evidence, the clinical significance of this variant remains unclear.